The following is an entry in ClinVar:

NM_000352.6(ABCC8):c.1467+9C>T

Gene: ABCC8 (ATP binding cassette subfamily C member 8; minus strand). Cytogenetic location: 11p15.1.
Variant type: single nucleotide variant.
Coding change: c.1467+9C>T on transcript NM_000352.6 (MANE Select); 9 bases into the intron after coding-DNA position 1467, C replaced by T.
Molecular consequence: intron variant.
Genome position (GRCh38, 1-based): chr11:17,443,169, G>A on the plus strand (C>T on the coding strand, the complement: ABCC8 is on the minus strand). VCF-style: chr11-17443169-G-A. GRCh37 (hg19) VCF-style: chr11-17464716-G-A.
Other names: c.1464+9C>T (NM_001351297.2, NM_001351296.2); c.1467+9C>T (NM_001351295.2, NM_001287174.3).
Identifiers: ClinVar variation 751625 (VCV000751625.11), dbSNP rs774224706, ClinGen allele CA5903577.

ClinVar aggregate classification (germline): Conflicting classifications of pathogenicity. Review status: criteria provided, conflicting classifications (1 of 4 stars). 3 submissions from 2 submitters: Uncertain significance (2); Likely benign (1). Last evaluated 2021-04-06.

Conditions:
Maturity-onset diabetes of the young (MODY). Also called: Maturity onset diabetes mellitus in young. Identifiers: Orphanet 552, MedGen C0342276, MONDO:0018911, HP:0004904.
Transitory neonatal diabetes mellitus. Also called: Transient neonatal diabetes mellitus. Identifiers: MedGen C0342273, MONDO:0020525, HP:0008255.

Allele frequency attached by ClinVar (database versions not stated): gnomAD exomes below 0.00001; ExAC 0.00001; gnomAD 0.00001; TOPMed 0.00001.
gnomAD v4.1: 21 of 1,613,944 alleles (0.0013%); highest among the groups gnomAD compares: Non-Finnish European, 0.0017%; no homozygotes.

Submissions (3):

Labcorp Genetics (formerly Invitae), Labcorp
Classification: Likely benign. Last evaluated: 2021-04-06. Review status: criteria provided, single submitter. Criteria: Invitae Variant Classification Sherloc (09022015). Collection method: clinical testing. Allele origin: germline.

Clinical Genomics, Uppaluri K&H Personalized Medicine Clinic
Classification: Uncertain significance for Maturity-onset diabetes of the young. Review status: criteria provided, single submitter. Criteria: K & H Uppaluri Personalized Medicine Clinic Variant Classification & Assertion Criteria_Updated V.1. Collection method: research. Allele origin: unknown. Inheritance: Somatic mutation.
Comment: Mutations in ABCC8 gene are associated with both neonatal diabetes mellitus as well as MODY. Patients with this mutation may have a better response to sulfonylureas. However, no sufficient evidence is found to ascertain the role of this particular variant (rs774224706) in MODY yet.

Clinical Genomics, Uppaluri K&H Personalized Medicine Clinic
Classification: Uncertain significance for Transitory neonatal diabetes mellitus. Review status: criteria provided, single submitter. Criteria: K & H Uppaluri Personalized Medicine Clinic Variant Classification & Assertion Criteria_Updated V.1. Collection method: research. Allele origin: unknown. Inheritance: Somatic mutation.
Comment: Mutations in ABCC8 gene are associated with both neonatal diabetes mellitus as well as MODY. Patients with this mutation may have a better response to sulfonylureas. However, no sufficient evidence is found to ascertain the role of this particular variant (rs774224706) in neonatal diabetes yet.

Literature cited by the submitters: PubMed 16885549 (cited by Clinical Genomics, Uppaluri K&H Personalized Medicine Clinic); PubMed 21989597 (cited by Clinical Genomics, Uppaluri K&H Personalized Medicine Clinic); PubMed 27538677 (cited by Clinical Genomics, Uppaluri K&H Personalized Medicine Clinic); PubMed 18981553 (cited by Clinical Genomics, Uppaluri K&H Personalized Medicine Clinic); PubMed 32027066 (cited by Clinical Genomics, Uppaluri K&H Personalized Medicine Clinic); PubMed 16613899 (cited by Clinical Genomics, Uppaluri K&H Personalized Medicine Clinic); PubMed 18025408 (cited by Clinical Genomics, Uppaluri K&H Personalized Medicine Clinic); PubMed 32792356 (cited by Clinical Genomics, Uppaluri K&H Personalized Medicine Clinic).